The following is an entry in ClinVar:

NM_025179.4(PLXNA2):c.2849C>T (p.Thr950Ile)

Gene: PLXNA2 (plexin A2; minus strand). Cytogenetic location: 1q32.2.
Variant type: single nucleotide variant.
Coding change: c.2849C>T on transcript NM_025179.4 (MANE Select); coding-DNA position 2849, C replaced by T.
Protein change: p.Thr950Ile; replaces threonine 950 with isoleucine.
Molecular consequence: missense variant.
Genome position (GRCh38, 1-based): chr1:208,054,428, G>A on the plus strand (C>T on the coding strand, the complement: PLXNA2 is on the minus strand). VCF-style: chr1-208054428-G-A. GRCh37 (hg19) VCF-style: chr1-208227773-G-A.
Other names: short protein forms T950I.
Identifiers: ClinVar variation 4994362 (VCV004994362.1).

ClinVar aggregate classification (germline): Uncertain significance (1 of 4 stars; one submission).

Conditions:
PLXNA2-related disorder. Also called: PLXNA2-related condition.

gnomAD v4.1: 1 of 1,611,502 alleles (0.000062%); highest among the groups gnomAD compares: Non-Finnish European, 0.000085%; no homozygotes.

Submission:

PreventionGenetics, part of Exact Sciences
Classification: Uncertain significance for PLXNA2-related condition. Last evaluated: 2026-03-01. Review status: criteria provided, single submitter. Criteria: ACMG Guidelines, 2015. Collection method: clinical testing. Allele origin: germline.
Comment: The PLXNA2 c.2849C>T variant is predicted to result in the amino acid substitution p.Thr950Ile. To our knowledge, this variant has not been reported in the literature or in a large population database (gnomAD), indicating this variant is rare. At this time, the clinical significance of this variant is uncertain due to the absence of conclusive functional and genetic evidence.